The following is an entry in ClinVar:

NM_007294.4(BRCA1):c.5425G>T (p.Val1809Phe)

Gene: BRCA1 (BRCA1 DNA repair associated; minus strand). Cytogenetic location: 17q21.31.
Variant type: single nucleotide variant.
Coding change: c.5425G>T on transcript NM_007294.4 (MANE Select); coding-DNA position 5425, G replaced by T.
Protein change: p.Val1809Phe; replaces valine 1809 with phenylalanine.
Molecular consequence: missense variant. On other transcripts: non-coding transcript variant (1).
Genome position (GRCh38, 1-based): chr17:43,047,685, C>A on the plus strand (G>T on the coding strand, the complement: BRCA1 is on the minus strand). VCF-style: chr17-43047685-C-A. GRCh37 (hg19) VCF-style: chr17-41199702-C-A.
Other names: NM_007294.4(BRCA1):c.5425G>T; p.Val1809Phe; c.5281G>T, p.Val1761Phe (NM_001407751.1, NM_001407752.1, NM_001407732.1 and 18 more transcripts); c.5278G>T, p.Val1760Phe (NM_001407838.1, NM_001407839.1, NM_001407841.1 and 12 more transcripts); c.5351G>T, p.Gly1784Val (NM_001407854.1); c.5348G>T, p.Gly1783Val (NM_001407858.1, NM_001407859.1, NM_001407860.1); c.5345G>T, p.Gly1782Val (NM_001407861.1); c.5224G>T, p.Val1742Phe (NM_001407862.1); and 85 more; short protein forms V1809F, V705F, G680V, V1762F, V1830F, V1790F, V618F, V634F.
Identifiers: ClinVar variation 55573 (VCV000055573.28), dbSNP rs28897698, ClinGen allele CA003588.

ClinVar aggregate classification (germline): Likely pathogenic. Review status: reviewed by expert panel (3 of 4 stars). 9 submissions from 9 submitters: Likely pathogenic (1). 8 of the submissions do not count toward it. Last evaluated 2026-01-15.

Conditions:
Hereditary cancer-predisposing syndrome. Also called: Hereditary Cancer Syndrome; Hereditary neoplastic syndrome; Neoplastic Syndromes, Hereditary; Tumor predisposition. Identifiers: Orphanet 140162, MedGen C0027672, MeSH D009386, MONDO:0015356.
Hereditary breast ovarian cancer syndrome. Also called: BRCA1- and BRCA2-Associated Hereditary Breast and Ovarian Cancer; Hereditary breast and ovarian cancer syndrome; Hereditary breast and ovarian cancer syndrome (HBOC); Breast and ovarian cancer; Hereditary breast and/or ovarian cancer syndrome; Hereditary breast and ovarian cancer. Identifiers: Orphanet 145, MedGen C0677776, MeSH D061325, MONDO:0003582. Disease mechanism: loss of function.
BRCA1-related cancer predisposition. Identifiers: MedGen CN377757, MONDO:0700268.
Breast-ovarian cancer, familial, susceptibility to, 1 (BROVCA1). Also called: BRCA1 Hereditary Breast and Ovarian Cancer; OVARIAN CANCER, SUSCEPTIBILITY TO. Identifiers: Orphanet 145, MedGen C2676676, MONDO:0011450, OMIM 604370. Disease mechanism: loss of function.

Submissions 1 to 6 of 9:

ClinGen ENIGMA BRCA1 and BRCA2 Variant Curation Expert Panel, ClinGen
Classification: Likely pathogenic for BRCA1-related cancer predisposition. Last evaluated: 2026-01-15. Review status: reviewed by expert panel. Criteria: CSpec BRCA1/2ACMG Rules Specifications V1.2. Collection method: curation. Allele origin: germline. Inheritance: Autosomal dominant inheritance.
Comment: The c.5425G>T variant in BRCA1 is a missense variant predicted to cause substitution of Valine by Phenylalanine at amino acid 1809 (p.(Val1809Phe)). This variant is absent from gnomAD v2.1 (exomes only, non-cancer subset, read depth ≥25) and gnomAD v3.1 (non-cancer subset, read depth ≥25) (PM2_Supporting met). Reported by two calibrated studies to exhibit protein function similar to pathogenic control variants (PMIDs:32546644, 38709234) (PS3 met). mRNA experimental analysis indicates no impact on splicing (PMID: 32123317) but is not applied as strong evidence against pathogenicity since missense impact has not been excluded (BP7_Strong (RNA) not met). This BRCA1 missense variant is within a key functional domain and the computational predictor BayesDel (noAF) gives a score of -0.144, below the recommended threshold of 0.15 for no predicted impact on BRCA1 function via protein change. However, the SpliceAI score of 0.14 indicates an unclear predicted impact on splicing (score range 0.10-0.20) (no bioinformatic code is applied). Multifactorial likelihood ratio analysis using clinically calibrated data produced a combined LR for this variant of 0.8 (Co-occurrence LR=1.18; Family History LR=0.68), which is above the ENIGMA BRCA1/2 VCEP threshold for BP5 (>0.48) and below PP4 (<2.08) (BP5 and PP4 not met; Internal lab contributor). Cosegregation analysis of 2 families carrying this variant provided evidence towards pathogenicity, and has a Bayes Score of 23.66 (14.17 and 1.67, applied as LR), within the thresholds for strong pathogenic evidence (LR ≥18.7 & <350) (PP1_Strong met; PMID:15689452, Internal lab contributor). In summary, this variant meets the criteria to be classified as a Likely pathogenic variant for BRCA1-related cancer predisposition based on the ACMG/AMP criteria applied as specified by the ENIGMA BRCA1/2 VCEP (PM2_Supporting, PS3, PP1_Strong).

Center for Genomic Medicine, Rigshospitalet, Copenhagen University Hospital
Classification: Likely pathogenic. Last evaluated: 2025-12-29. Review status: criteria provided, single submitter. Criteria: ACMG Guidelines, 2015. Collection method: clinical testing. Allele origin: germline. Not counted in ClinVar's aggregate classification.

Ambry Genetics
Classification: Uncertain significance for Hereditary cancer-predisposing syndrome. Last evaluated: 2025-09-17. Review status: criteria provided, single submitter. Criteria: Ambry Variant Classification Scheme 2023. Collection method: clinical testing. Allele origin: germline. Not counted in ClinVar's aggregate classification.
Comment: The p.V1809F variant (also known as c.5425G>T), located in coding exon 21 of the BRCA1 gene, results from a G to T substitution at nucleotide position 5425. The valine at codon 1809 is replaced by phenylalanine, an amino acid with highly similar properties. This variant has been identified in breast cancer cohorts and has been shown to segregate with disease in one family (Phelan CM et al. J Med Genet, 2005 Feb;42:138-46; Thomassen M et al. Acta Oncol, 2008;47:772-7; Fostira F et al. J Med Genet 2020 Jan;57(1):53-61). Protein functional studies have demonstrated this variant to have a deleterious impact on function (Bouwman P et al. Clin Cancer Res, 2020 Sep;26:4559-4568; Woods NT et al. NPJ Genom Med, 2016 Mar;1:16001; Fernandes VC et al. J Biol Chem, 2019 Apr;294:5980-5992; Lee MS et al. Cancer Res, 2010 Jun;70:4880-90; Drikos I et al. Anticancer Res, 2021 Jun;41:2953-2962). This alteration was inconclusive in a multifactorial model of variant interpretation that incorporates co-segregation, family history, co-occurrence, tumor pathology and case-control data (Parsons MT et al. Hum Mutat 2019 Sep;40(9):1557-1578). Of note, this alteration is also referred to as c.5544G>T in published literature. This amino acid position is highly conserved in available vertebrate species. In addition, the in silico prediction for this alteration is inconclusive. Based on the available evidence, the clinical significance of this variant remains unclear.

Labcorp Genetics (formerly Invitae), Labcorp
Classification: Uncertain significance for Hereditary breast ovarian cancer syndrome. Last evaluated: 2025-09-14. Review status: criteria provided, single submitter. Criteria: Invitae Variant Classification Sherloc (09022015). Collection method: clinical testing. Allele origin: germline. Not counted in ClinVar's aggregate classification.
Comment: This sequence change replaces valine, which is neutral and non-polar, with phenylalanine, which is neutral and non-polar, at codon 1809 of the BRCA1 protein (p.Val1809Phe). This variant is not present in population databases (gnomAD no frequency). This missense change has been observed in individual(s) with a personal and/or family history of breast, ovarian and/or endometrial cancer (PMID: 15689452, 18465347, 31300551). It has also been observed to segregate with disease in related individuals. This variant is also known as 5544G>T. ClinVar contains an entry for this variant (Variation ID: 55573). Invitae Evidence Modeling of protein sequence and biophysical properties (such as structural, functional, and spatial information, amino acid conservation, physicochemical variation, residue mobility, and thermodynamic stability) indicates that this missense variant is not expected to disrupt BRCA1 protein function with a negative predictive value of 95%. Experimental studies have shown that this missense change affects BRCA1 function (PMID: 15689452, 19452558, 20516115, 28781887, 32546644, 34083286). In summary, the available evidence is currently insufficient to determine the role of this variant in disease. Therefore, it has been classified as a Variant of Uncertain Significance.

Molecular Pathology, Peter Maccallum Cancer Centre
Classification: Likely pathogenic for Breast-ovarian cancer, familial, susceptibility to, 1. Last evaluated: 2025-02-17. Review status: criteria provided, single submitter. Criteria: ACMG Guidelines, 2015. Collection method: clinical testing. Allele origin: germline. Inheritance: Autosomal dominant inheritance. Not counted in ClinVar's aggregate classification.

Color Diagnostics, LLC DBA Color Health
Classification: Likely pathogenic for Hereditary cancer-predisposing syndrome. Last evaluated: 2024-01-30. Review status: criteria provided, single submitter. Criteria: ACMG Guidelines, 2015. Collection method: clinical testing. Allele origin: germline. Not counted in ClinVar's aggregate classification.
Comment: This missense variant replaces valine with phenylalanine at codon 1809 of the BRCA1 protein. Computational prediction suggests that this variant may have deleterious impact on protein structure and function. Functional studies have reported that this variant impacts BRCA1 in homology-directed repair, transcription activation and cisplatin and olaparib sensitivity assays and may compromise protein stability, protein localization, and protein-protein interaction (PMID: 14534301, 15133503, 15689452, 16528612, 19452558, 20516115, 28781887, 32546644, 34083286). This variant has been observed in multiple individuals affected with breast cancer from at least three unrelated families (PMID: 15689452, 18465347, 31300551, 33471991; Leiden Open Variation Database DB-ID BRCA1_000474), including an individual affected with breast and endometrial cancer (PMID: 31300551) and the co-segregation with four affected members of a hereditary breast cancer family (PMID: 15689452). This variant has not been identified in the general population by the Genome Aggregation Database (gnomAD). Based on the available evidence, this variant is classified as Likely Pathogenic.